The following is an entry in ClinVar:

NM_001972.4(ELANE):c.225-10_232dup

Gene: ELANE (elastase, neutrophil expressed; plus strand). Cytogenetic location: 19p13.3.
Variant type: Duplication.
Coding change: c.225-10_232dup on transcript NM_001972.4 (MANE Select); 10 bases into the intron before coding-DNA position 225 through coding-DNA position 232, 18 bases duplicated (TCCCCGGCAGAAACGTCC).
Molecular consequence: splice acceptor variant.
Genome position (GRCh38, 1-based): chr19:853,252-853,269, TCCCCGGCAGAAACGTCC duplicated; duplicating any 18 consecutive bases within chr19:853,250-853,269 gives the same sequence; the c. name uses the placement nearest the transcript's 3' end. VCF-style (leftmost placement, unchanged base first): chr19-853249-C-CCCTCCCCGGCAGAAACGT. GRCh37 (hg19) VCF-style: chr19-853249-C-CCCTCCCCGGCAGAAACGT.
Identifiers: ClinVar variation 2029666 (VCV002029666.4), dbSNP rs2512165088, ClinGen allele CA2580096958.
Genomic context (GRCh38, chr19:853,249, plus strand): 5'-TGGGGACGACAAGGCGCGGCTGAGCCCCGACCCCCGGGGCCGCCCCTGAGCCCCGCCTCT[C>CCCTCCCCGGCAGAAACGT]CCTCCCCGGCAGAAACGTCCGCGCGGTGCGGGTGGTCCTGGGAGCCCATAACCTCTCGCG-3'

ClinVar aggregate classification (germline): Uncertain significance (1 of 4 stars; one submission).

Conditions:
Cyclical neutropenia. Also called: Cyclic hematopoiesis; Cyclic Neutropenia. Identifiers: Orphanet 2686, MedGen C0221023, MONDO:0008090, OMIM 162800, HP:0040289. Disease mechanism: loss of function.
Neutropenia, severe congenital, 1, autosomal dominant. Identifiers: MedGen C1859966, MONDO:0042490, OMIM 202700.

Submission:

Labcorp Genetics (formerly Invitae), Labcorp
Classification: Uncertain significance for Neutropenia, severe congenital, 1, autosomal dominant; Cyclical neutropenia. Last evaluated: 2022-09-09. Review status: criteria provided, single submitter. Criteria: Invitae Variant Classification Sherloc (09022015). Collection method: clinical testing. Allele origin: germline.
Comment: This sequence change falls in intron 2 of the ELANE gene. It does not directly change the encoded amino acid sequence of the ELANE protein. This variant is not present in population databases (gnomAD no frequency). This variant has not been reported in the literature in individuals affected with ELANE-related conditions. Algorithms developed to predict the effect of sequence changes on RNA splicing suggest that this variant may disrupt the consensus splice site. In summary, the available evidence is currently insufficient to determine the role of this variant in disease. Therefore, it has been classified as a Variant of Uncertain Significance.